The following is an entry in ClinVar:

ClinVar aggregate classification (germline): Uncertain significance. Review status: criteria provided, multiple submitters, no conflicts (2 of 4 stars). 9 submissions from 9 submitters: Uncertain significance (6). 3 of the submissions do not count toward it. Last evaluated 2026-01-17.

Conditions:
Retinal dystrophy. Also called: Inherited retinal dystrophy. Identifiers: Orphanet 71862, MedGen C0854723, MeSH D058499, MONDO:0019118, HP:0000556.
Aland island eye disease (AIED). Also called: Forsius Eriksson type ocular albinism. Identifiers: Orphanet 178333, MedGen C0268505, MONDO:0010371, OMIM 300600.

Allele frequency attached by ClinVar (database versions not stated): TOPMed 0.00023.
gnomAD v4.1: 543 of 1,614,032 alleles (0.034%); highest among the groups gnomAD compares: Non-Finnish European, 0.042%; no homozygotes.

Submissions (9):

Labcorp Genetics (formerly Invitae), Labcorp
Classification: Uncertain significance. Last evaluated: 2026-01-17. Review status: criteria provided, single submitter. Criteria: Invitae Variant Classification Sherloc (09022015). Collection method: clinical testing. Allele origin: germline.
Comment: This sequence change replaces serine, which is neutral and polar, with leucine, which is neutral and non-polar, at codon 617 of the WHRN protein (p.Ser617Leu). This variant is present in population databases (rs150146590, gnomAD 0.04%). This variant has not been reported in the literature in individuals affected with WHRN-related conditions. ClinVar contains an entry for this variant (Variation ID: 598318). An algorithm developed to predict the effect of missense changes on protein structure and function (PolyPhen-2) suggests that this variant is likely to be tolerated. In summary, the available evidence is currently insufficient to determine the role of this variant in disease. Therefore, it has been classified as a Variant of Uncertain Significance.

Blueprint Genetics
Classification: Uncertain significance. Last evaluated: 2024-07-09. Review status: criteria provided, single submitter. Criteria: ACMG Guidelines, 2015. Collection method: clinical testing. Allele origin: germline.

Women's Health and Genetics/Laboratory Corporation of America, LabCorp
Classification: Uncertain significance. Last evaluated: 2024-01-12. Review status: criteria provided, single submitter. Criteria: LabCorp Variant Classification Summary - May 2015. Collection method: clinical testing. Allele origin: germline.
Comment: Variant summary: WHRN c.1850C>T (p.Ser617Leu) results in a non-conservative amino acid change in the encoded protein sequence. Four of five in-silico tools predict a damaging effect of the variant on protein function. The variant allele was found at a frequency of 0.00023 in 250496 control chromosomes. This frequency is not significantly higher than estimated for a pathogenic variant in WHRN causing Usher Syndrome (0.00023 vs 0.0038), allowing no conclusion about variant significance. c.1850C>T has been reported in the literature in individuals affected with Aland eye disease (Jespersgaard_2019). This report does not provide unequivocal conclusions about association of the variant with Usher Syndrome. To our knowledge, no experimental evidence demonstrating an impact on protein function has been reported. The following publication have been ascertained in the context of this evaluation (PMID: 30718709). ClinVar contains an entry for this variant (Variation ID: 598318). Based on the evidence outlined above, the variant was classified as uncertain significance.

GeneDx
Classification: Uncertain significance. Last evaluated: 2023-05-25. Review status: criteria provided, single submitter. Criteria: GeneDx Variant Classification Process June 2021. Collection method: clinical testing. Allele origin: germline. Affected: yes.
Comment: Identified as a single heterozygous variant in a patient with Aland eye disease in the published literature (Jespersgaard et al., 2019); In silico analysis supports that this missense variant has a deleterious effect on protein structure/function; This variant is associated with the following publications: (PMID: 34426522, 30718709)

Institute of Human Genetics, Univ. Regensburg, Univ. Regensburg
Classification: Uncertain significance for Retinal dystrophy. Last evaluated: 2023-01-01. Review status: criteria provided, single submitter. Criteria: ACMG Guidelines, 2015. Collection method: clinical testing. Allele origin: germline. Affected: yes.

Eurofins Ntd Llc (ga)
Classification: Uncertain significance. Last evaluated: 2018-08-17. Review status: criteria provided, single submitter. Criteria: EGL ClinVar v180209 classification definitions. Collection method: clinical testing. Allele origin: germline. Observed: 1 variant allele, 1 heterozygote.

Department of Clinical Genetics, Copenhagen University Hospital, Rigshospitalet
Classification: Likely pathogenic for Ocular albinism, type II. Last evaluated: 2018-04-01. Review status: no assertion criteria provided. Collection method: research. Allele origin: unknown. Affected: yes. Study: VeluxRD. Not counted in ClinVar's aggregate classification.

Clinical Genetics DNA and cytogenetics Diagnostics Lab, Erasmus MC, Erasmus Medical Center
Classification: Uncertain significance. Review status: no assertion criteria provided. Collection method: clinical testing. Allele origin: germline. Affected: yes. Study: VKGL Data-share Consensus. Not counted in ClinVar's aggregate classification.

Clinical Genetics, Academic Medical Center
Classification: Uncertain significance. Review status: no assertion criteria provided. Collection method: clinical testing. Allele origin: germline. Affected: yes. Study: VKGL Data-share Consensus. Not counted in ClinVar's aggregate classification.

Literature cited by the submitters: PubMed 30718709 (cited by 3 submitters); PubMed 3442652 (cited by Institute of Human Genetics, Univ. Regensburg, Univ. Regensburg).

NM_015404.4(WHRN):c.1850C>T (p.Ser617Leu)

Gene: WHRN (whirlin; minus strand). Cytogenetic location: 9q32.
Variant type: single nucleotide variant.
Coding change: c.1850C>T on transcript NM_015404.4 (MANE Select); coding-DNA position 1850, C replaced by T.
Protein change: p.Ser617Leu; replaces serine 617 with leucine.
Molecular consequence: missense variant.
Genome position (GRCh38, 1-based): chr9:114,406,741, G>A on the plus strand (C>T on the coding strand, the complement: WHRN is on the minus strand). VCF-style: chr9-114406741-G-A. GRCh37 (hg19) VCF-style: chr9-117169021-G-A.
Other names: c.701C>T, p.Ser234Leu (NM_001083885.3); c.1850C>T, p.Ser617Leu (NM_001173425.2); c.797C>T, p.Ser266Leu (NM_001346890.1); short protein forms S617L, S234L, S266L.
Identifiers: ClinVar variation 598318 (VCV000598318.22), dbSNP rs150146590, ClinGen allele CA5205800.